The following is an entry in ClinVar:

ClinVar aggregate classification (germline): Uncertain significance (1 of 4 stars; one submission).

Allele frequency attached by ClinVar (database versions not stated): gnomAD exomes below 0.00001; TOPMed below 0.00001.
gnomAD v4.1: 4 of 1,613,832 alleles (0.00025%); highest among the groups gnomAD compares: East Asian, 0.0022%; no homozygotes.

Submission:

Labcorp Genetics (formerly Invitae), Labcorp
Classification: Uncertain significance. Last evaluated: 2022-02-08. Review status: criteria provided, single submitter. Criteria: Invitae Variant Classification Sherloc (09022015). Collection method: clinical testing. Allele origin: germline.
Comment: This variant is present in population databases (no rsID available, gnomAD 0.0009%). This sequence change replaces threonine, which is neutral and polar, with isoleucine, which is neutral and non-polar, at codon 71 of the COL18A1 protein (p.Thr71Ile). The COL18A1 gene has multiple clinically relevant transcripts. This variant occurs in alternate transcript NM_030582.4, and corresponds to NM_130445.2:c.107-12500C>T in the primary transcript. This variant has not been reported in the literature in individuals affected with COL18A1-related conditions. In summary, the available evidence is currently insufficient to determine the role of this variant in disease. Therefore, it has been classified as a Variant of Uncertain Significance. Experimental studies and prediction algorithms are not available or were not evaluated, and the functional significance of this variant is currently unknown.

NM_001379500.1(COL18A1):c.107-12500C>T

Gene: COL18A1 (collagen type XVIII alpha 1 chain; plus strand). Cytogenetic location: 21q22.3.
Variant type: single nucleotide variant.
Coding change: c.107-12500C>T on transcript NM_001379500.1 (MANE Select); 12500 bases into the intron before coding-DNA position 107, C replaced by T.
Molecular consequence: intron variant. On other transcripts: missense variant (2).
Genome position (GRCh38, 1-based): chr21:45,455,742, C>T. VCF-style: chr21-45455742-C-T. GRCh37 (hg19) VCF-style: chr21-46875656-C-T.
Other names: c.212C>T, p.Thr71Ile (NM_030582.4, NM_130444.3); short protein forms T71I.
Identifiers: ClinVar variation 2094643 (VCV002094643.4), dbSNP rs1169862350, ClinGen allele CA410505367.
Genomic context (GRCh38, chr21:45,455,742, plus strand): 5'-CCCTGCCTGTGCAGCCCACAGCAGATACCACCACACACGTGACCCCCCGGAATGGTTCCA[C>T]AGAGCCAGCGACAGCCCCTGGCAGCCCTGAGCCACCCTCAGAGCTGCTGGAAGATGGCCA-3'